The following is an entry in ClinVar:

ClinVar aggregate classification (germline): Uncertain significance (1 of 4 stars; one submission).

Allele frequency attached by ClinVar (database versions not stated): TOPMed 0.00002; gnomAD 0.00002.
gnomAD v4.1: 21 of 1,553,380 alleles (0.0014%); highest among the groups gnomAD compares: Non-Finnish European, 0.0017%; no homozygotes.

Submission:

Labcorp Genetics (formerly Invitae), Labcorp
Classification: Uncertain significance. Last evaluated: 2022-02-05. Review status: criteria provided, single submitter. Criteria: Invitae Variant Classification Sherloc (09022015). Collection method: clinical testing. Allele origin: germline.
Comment: This sequence change falls in intron 10 of the PEPD gene. It does not directly change the encoded amino acid sequence of the PEPD protein. It affects a nucleotide within the consensus splice site. The frequency data for this variant in the population databases is considered unreliable, as metrics indicate poor data quality at this position in the gnomAD database. This variant has not been reported in the literature in individuals affected with PEPD-related conditions. Variants that disrupt the consensus splice site are a relatively common cause of aberrant splicing (PMID: 17576681, 9536098). Algorithms developed to predict the effect of sequence changes on RNA splicing suggest that this variant may disrupt the consensus splice site. In summary, the available evidence is currently insufficient to determine the role of this variant in disease. Therefore, it has been classified as a Variant of Uncertain Significance.

Literature cited by the submitters: PubMed 17576681; PubMed 9536098.

NM_000285.4(PEPD):c.740+3A>T

Gene: PEPD (peptidase D; minus strand). Cytogenetic location: 19q13.11.
Variant type: single nucleotide variant.
Coding change: c.740+3A>T on transcript NM_000285.4 (MANE Select); 3 bases into the intron after coding-DNA position 740, A replaced by T.
Molecular consequence: intron variant.
Genome position (GRCh38, 1-based): chr19:33,413,572, T>A on the plus strand (A>T on the coding strand, the complement: PEPD is on the minus strand). VCF-style: chr19-33413572-T-A. GRCh37 (hg19) VCF-style: chr19-33904478-T-A.
Other names: c.548+3A>T (NM_001166057.2); c.617+3A>T (NM_001166056.2).
Identifiers: ClinVar variation 1354892 (VCV001354892.3), dbSNP rs1029126929, ClinGen allele CA307542791.